The following is an entry in ClinVar:

ClinVar aggregate classification (germline): Uncertain significance. Review status: criteria provided, multiple submitters, no conflicts (2 of 4 stars). 2 submissions from 2 submitters: Uncertain significance (2). Last evaluated 2025-05-10.

Conditions:
Sulfite oxidase deficiency due to molybdenum cofactor deficiency type C. Also called: Molybdenum cofactor deficiency, complementation group C; Molybdenum cofactor deficiency C. Identifiers: Orphanet 308400, Orphanet 833, MedGen C1854990, MONDO:0014212, OMIM 615501.

Submissions (2):

Labcorp Genetics (formerly Invitae), Labcorp
Classification: Uncertain significance for Sulfite oxidase deficiency due to molybdenum cofactor deficiency type C. Last evaluated: 2025-05-10. Review status: criteria provided, single submitter. Criteria: Invitae Variant Classification Sherloc (09022015). Collection method: clinical testing. Allele origin: germline.
Comment: This sequence change replaces arginine, which is basic and polar, with glutamine, which is neutral and polar, at codon 686 of the GPHN protein (p.Arg686Gln). This variant is not present in population databases (gnomAD no frequency). This variant has not been reported in the literature in individuals affected with GPHN-related conditions. ClinVar contains an entry for this variant (Variation ID: 1973958). Invitae Evidence Modeling of protein sequence and biophysical properties (such as structural, functional, and spatial information, amino acid conservation, physicochemical variation, residue mobility, and thermodynamic stability) indicates that this missense variant is not expected to disrupt GPHN protein function with a negative predictive value of 80%. In summary, the available evidence is currently insufficient to determine the role of this variant in disease. Therefore, it has been classified as a Variant of Uncertain Significance.

GeneDx
Classification: Uncertain significance. Last evaluated: 2023-07-24. Review status: criteria provided, single submitter. Criteria: GeneDx Variant Classification Process June 2021. Collection method: clinical testing. Allele origin: germline. Affected: yes.
Comment: Not observed at significant frequency in large population cohorts (gnomAD); In silico analysis supports that this missense variant does not alter protein structure/function; Has not been previously published as pathogenic or benign to our knowledge

NM_020806.5(GPHN):c.2057G>A (p.Arg686Gln)

Genes: GPHN (gephyrin; plus strand), LOC126861970 (MED14-independent group 3 enhancer GRCh37_chr14:67634697-67635896; plus strand). Cytogenetic location: 14q23.3.
Variant type: single nucleotide variant.
Coding change: c.2057G>A on transcript NM_020806.5 (MANE Select); coding-DNA position 2057, G replaced by A.
Protein change: p.Arg686Gln; replaces arginine 686 with glutamine.
Molecular consequence: missense variant.
Genome position (GRCh38, 1-based): chr14:67,169,014, G>A. VCF-style: chr14-67169014-G-A. GRCh37 (hg19) VCF-style: chr14-67635731-G-A.
Other names: c.2057G>A (NM_020806.4); c.1958G>A, p.Arg653Gln (NM_001024218.2); c.2117G>A, p.Arg706Gln (NM_001377514.1); c.2087G>A, p.Arg696Gln (NM_001377515.1); c.2078G>A, p.Arg693Gln (NM_001377516.1); c.2030G>A, p.Arg677Gln (NM_001377517.1); c.2015G>A, p.Arg672Gln (NM_001377518.1); c.1997G>A, p.Arg666Gln (NM_001377519.1); short protein forms R653Q, R677Q, R686Q, R672Q, R693Q, R706Q, R696Q, R666Q.
Identifiers: ClinVar variation 1973958 (VCV001973958.6), dbSNP rs2544305014, ClinGen allele CA390122067.
Genomic context (GRCh38, chr14:67,169,014, plus strand): 5'-TCACCTGCAATCTCTTTGTTGTGCCTGCACTGAGGAAAATGCAGGGCATCTTGGATCCTC[G>A]GCCAACCATCATCAAAGCAAGGGTAATGCTTTCTAATGACCAGAAACCAAAATGGAAGCC-3'
Protein context (NP_065857.1, residues 676-696): LRKMQGILDP[Arg686Gln]PTIIKARLSC